The following is an entry in ClinVar:

NM_000543.5(SMPD1):c.1144C>G (p.Leu382Val)

Gene: SMPD1 (sphingomyelin phosphodiesterase 1; plus strand). Cytogenetic location: 11p15.4.
Variant type: single nucleotide variant.
Coding change: c.1144C>G on transcript NM_000543.5 (MANE Select); coding-DNA position 1144, C replaced by G.
Protein change: p.Leu382Val; replaces leucine 382 with valine.
Molecular consequence: missense variant. On other transcripts: non-coding transcript variant (1), intron variant (1).
Genome position (GRCh38, 1-based): chr11:6,393,268, C>G. VCF-style: chr11-6393268-C-G. GRCh37 (hg19) VCF-style: chr11-6414498-C-G.
Other names: c.1141C>G, p.Leu381Val (NM_001007593.3); c.1144C>G, p.Leu382Val (NM_001318087.2); c.223C>G, p.Leu75Val (NM_001318088.2); c.1132-349C>G (NM_001365135.2); short protein forms L381V, L382V, L75V.
Identifiers: ClinVar variation 2103537 (VCV002103537.4), dbSNP rs281860666, ClinGen allele CA379373003.

ClinVar aggregate classification (germline): Likely pathogenic (1 of 4 stars; one submission).

Conditions:
Niemann-Pick disease, type B. Also called: Chronic Visceral ASMD (Niemann-Pick Disease Type B; NPD-B). Identifiers: Orphanet 77293, MedGen C0268243, MONDO:0011871, OMIM 607616. Disease mechanism: loss of function.
Niemann-Pick disease, type A. Also called: Infantile Neurovisceral ASMD (Niemann-Pick Disease Type A; NPD-A); SPHINGOMYELIN LIPIDOSIS; SPHINGOMYELINASE DEFICIENCY. Identifiers: Orphanet 77292, MedGen C0268242, MONDO:0009756, OMIM 257200. Disease mechanism: loss of function.

Submission:

Labcorp Genetics (formerly Invitae), Labcorp
Classification: Likely pathogenic for Niemann-Pick disease, type B; Niemann-Pick disease, type A. Last evaluated: 2023-04-09. Review status: criteria provided, single submitter. Criteria: Invitae Variant Classification Sherloc (09022015). Collection method: clinical testing. Allele origin: germline.
Comment: In summary, the currently available evidence indicates that the variant is pathogenic, but additional data are needed to prove that conclusively. Therefore, this variant has been classified as Likely Pathogenic. This variant disrupts the p.Leu382 amino acid residue in SMPD1. Other variant(s) that disrupt this residue have been determined to be pathogenic (PMID: 23356216; Invitae). This suggests that this residue is clinically significant, and that variants that disrupt this residue are likely to be disease-causing. Advanced modeling of protein sequence and biophysical properties (such as structural, functional, and spatial information, amino acid conservation, physicochemical variation, residue mobility, and thermodynamic stability) performed at Invitae indicates that this missense variant is expected to disrupt SMPD1 protein function. ClinVar contains an entry for this variant (Variation ID: 2103537). This variant has not been reported in the literature in individuals affected with SMPD1-related conditions. This variant is not present in population databases (gnomAD no frequency). This sequence change replaces leucine, which is neutral and non-polar, with valine, which is neutral and non-polar, at codon 382 of the SMPD1 protein (p.Leu382Val).

Literature cited by the submitters: PubMed 23356216.